The following is an entry in ClinVar:

NM_199352.6(SLC22A25):c.1399A>C (p.Arg467=)

Gene: SLC22A25 (solute carrier family 22 member 25; minus strand). Cytogenetic location: 11q12.3.
Variant type: single nucleotide variant.
Coding change: c.1399A>C on transcript NM_199352.6 (MANE Select); coding-DNA position 1399, A replaced by C.
Protein change: p.Arg467=; no amino-acid change (arginine 467 retained).
Molecular consequence: synonymous variant.
Genome position (GRCh38, 1-based): chr11:63,164,069, T>G on the plus strand (A>C on the coding strand, the complement: SLC22A25 is on the minus strand). VCF-style: chr11-63164069-T-G. GRCh37 (hg19) VCF-style: chr11-62931541-T-G.
Identifiers: ClinVar variation 3033084 (VCV003033084.2), dbSNP rs745995908, ClinGen allele CA6060448.

ClinVar aggregate classification (germline): Likely benign (0 of 4 stars; one submission).

Conditions:
SLC22A25-related disorder. Also called: SLC22A25-related condition.

Allele frequency attached by ClinVar (database versions not stated): ExAC 0.00001.

Submission:

PreventionGenetics, part of Exact Sciences
Classification: Likely benign for SLC22A25-related condition. Last evaluated: 2019-06-13. Review status: no assertion criteria provided. Collection method: clinical testing. Allele origin: germline.
Comment: This variant is classified as likely benign based on ACMG/AMP sequence variant interpretation guidelines (Richards et al. 2015 PMID: 25741868, with internal and published modifications).